The following is an entry in ClinVar:

NM_014494.4(TNRC6A):c.3211G>C (p.Ala1071Pro)

Gene: TNRC6A (trinucleotide repeat containing adaptor 6A; plus strand). Cytogenetic location: 16p12.1.
Variant type: single nucleotide variant.
Coding change: c.3211G>C on transcript NM_014494.4 (MANE Select); coding-DNA position 3211, G replaced by C.
Protein change: p.Ala1071Pro; replaces alanine 1071 with proline.
Molecular consequence: missense variant.
Genome position (GRCh38, 1-based): chr16:24,793,508, G>C. VCF-style: chr16-24793508-G-C. GRCh37 (hg19) VCF-style: chr16-24804829-G-C.
Other names: c.3211G>C, p.Ala1071Pro (NM_001330520.3); c.3238G>C, p.Ala1080Pro (NM_001351850.2); short protein forms A1071P, A1080P.
Identifiers: ClinVar variation 4883213 (VCV004883213.2).

ClinVar aggregate classification (germline): Uncertain significance (1 of 4 stars; one submission).

Submission:

Dasa
Classification: Uncertain significance. Last evaluated: 2025-08-07. Review status: criteria provided, single submitter. Criteria: DASA Assertion Criteria. Collection method: clinical testing. Allele origin: germline.
Comment: NM_014494.4(TNRC6A):c.3211G>C (p.Ala1071Pro) is a missense variant that results in the substitution of alanine with proline. This variant is absent from population databases. Computational prediction algorithms are consistent with a benign effect. The currently available literature and clinical evidence are not sufficient to establish a definitive association between this variant and the reported condition. Therefore, this variant is classified as a variant of uncertain significance.